The following is an entry in ClinVar:

ClinVar aggregate classification (germline): Conflicting classifications of pathogenicity. Review status: criteria provided, conflicting classifications (1 of 4 stars). 2 submissions from 2 submitters: Likely pathogenic (1); Uncertain significance (1). Last evaluated 2021-04-20.

Conditions:
Wolman disease (WOLD). Also called: Acid cholesteryl ester hydrolase deficiency, Wolman type; Acid lipase disease; Wolman disease, CESD; LYSOSOMAL ACID LIPASE DEFICIENCY, ACUTE INFANTILE; LYSOSOMAL ACID LIPASE DEFICIENCY, COMPLETE; LIPA DEFICIENCY, COMPLETE. Identifiers: Orphanet 75233, MedGen C0043208, MONDO:0019148, OMIM 620151.
Lysosomal acid lipase deficiency. Also called: Acid cholesteryl ester hydrolase deficiency, type 2. Identifiers: Orphanet 275761, MedGen C5574740, MONDO:0800449, MONDO:0010204.

Allele frequency attached by ClinVar (database versions not stated): gnomAD exomes 0.00001; ExAC 0.00001.
gnomAD v4.1: 3 of 1,614,114 alleles (0.00019%); highest among the groups gnomAD compares: Admixed American, 0.0033%; no homozygotes.

Submissions (2):

Labcorp Genetics (formerly Invitae), Labcorp
Classification: Uncertain significance for Wolman disease. Last evaluated: 2021-04-20. Review status: criteria provided, single submitter. Criteria: Invitae Variant Classification Sherloc (09022015). Collection method: clinical testing. Allele origin: germline.
Comment: This sequence change replaces isoleucine with threonine at codon 369 of the LIPA protein (p.Ile369Thr). The isoleucine residue is moderately conserved and there is a moderate physicochemical difference between isoleucine and threonine. This variant is present in population databases (rs747214463, ExAC 0.009%). This variant has not been reported in the literature in individuals with LIPA-related conditions. Algorithms developed to predict the effect of missense changes on protein structure and function are either unavailable or do not agree on the potential impact of this missense change (SIFT: "Deleterious"; PolyPhen-2: "Probably Damaging"; Align-GVGD: "Class C0"). In summary, the available evidence is currently insufficient to determine the role of this variant in disease. Therefore, it has been classified as a Variant of Uncertain Significance.

Alexion, Astrazeneca Rare Disease, Astrazeneca
Classification: Likely pathogenic for Lysosomal acid lipase deficiency. Last evaluated: 2019-06-01. Review status: criteria provided, single submitter. Criteria: ACMG Guidelines, 2015. Collection method: research. Allele origin: germline.
Comment: ACMG PS3 criterion ascertained by in-vitro functional study, PMID:31180157

Literature cited by the submitters: PubMed 31180157 (cited by Alexion, Astrazeneca Rare Disease, Astrazeneca).

NM_000235.4(LIPA):c.1106T>C (p.Ile369Thr)

Gene: LIPA (lipase A, lysosomal acid type; minus strand). Cytogenetic location: 10q23.31.
Variant type: single nucleotide variant.
Coding change: c.1106T>C on transcript NM_000235.4 (MANE Select); coding-DNA position 1106, T replaced by C.
Protein change: p.Ile369Thr; replaces isoleucine 369 with threonine.
Molecular consequence: missense variant.
Genome position (GRCh38, 1-based): chr10:89,214,922, A>G on the plus strand (T>C on the coding strand, the complement: LIPA is on the minus strand). VCF-style: chr10-89214922-A-G. GRCh37 (hg19) VCF-style: chr10-90974679-A-G.
Other names: c.1106T>C, p.Ile369Thr (NM_001127605.3); c.758T>C, p.Ile253Thr (NM_001288979.2); short protein forms I253T, I369T.
Identifiers: ClinVar variation 695037 (VCV000695037.4), dbSNP rs747214463, ClinGen allele CA5593508.